The following is an entry in ClinVar:

ClinVar aggregate classification (germline): Uncertain significance (1 of 4 stars; one submission).

Conditions:
Autosomal recessive axonal neuropathy with neuromyotonia (NMAN). Also called: Neuromyotonia and axonal neuropathy, autosomal recessive; MYOKYMIA, MYOTONIA, AND MUSCLE WASTING; Gamstorp-Wohlfart syndrome. Identifiers: Orphanet 324442, MedGen C5700127, MONDO:0007646, OMIM 137200.

Allele frequency attached by ClinVar (database versions not stated): gnomAD exomes below 0.00001.
gnomAD v4.1: 1 of 1,613,218 alleles (0.000062%); highest among the groups gnomAD compares: Admixed American, 0.0017%; no homozygotes.

Submission:

Labcorp Genetics (formerly Invitae), Labcorp
Classification: Uncertain significance for Autosomal recessive axonal neuropathy with neuromyotonia. Last evaluated: 2020-03-10. Review status: criteria provided, single submitter. Criteria: Invitae Variant Classification Sherloc (09022015). Collection method: clinical testing. Allele origin: germline.
Comment: This sequence change replaces proline with leucine at codon 56 of the HINT1 protein (p.Pro56Leu). The proline residue is highly conserved and there is a moderate physicochemical difference between proline and leucine. This variant is not present in population databases (ExAC no frequency). This variant has not been reported in the literature in individuals with HINT1-related conditions. Algorithms developed to predict the effect of missense changes on protein structure and function (SIFT, PolyPhen-2, Align-GVGD) all suggest that this variant is likely to be disruptive, but these predictions have not been confirmed by published functional studies and their clinical significance is uncertain. In summary, the available evidence is currently insufficient to determine the role of this variant in disease. Therefore, it has been classified as a Variant of Uncertain Significance.

NM_005340.7(HINT1):c.167C>T (p.Pro56Leu)

Gene: HINT1 (histidine triad nucleotide binding protein 1; minus strand). Cytogenetic location: 5q23.3.
Variant type: single nucleotide variant.
Coding change: c.167C>T on transcript NM_005340.7 (MANE Select); coding-DNA position 167, C replaced by T.
Protein change: p.Pro56Leu; replaces proline 56 with leucine.
Molecular consequence: missense variant. On other transcripts: non-coding transcript variant (5).
Genome position (GRCh38, 1-based): chr5:131,162,621, G>A on the plus strand (C>T on the coding strand, the complement: HINT1 is on the minus strand). VCF-style: chr5-131162621-G-A. GRCh37 (hg19) VCF-style: chr5-130498314-G-A.
Other names: short protein forms P56L.
Identifiers: ClinVar variation 1044363 (VCV001044363.9), dbSNP rs1376505274, ClinGen allele CA360838752.